The following is an entry in ClinVar:

NM_003098.3(SNTA1):c.286G>A (p.Gly96Ser)

Genes: SNTA1 (syntrophin alpha 1; minus strand), LOC130065679 (ATAC-STARR-seq lymphoblastoid silent region 12811; plus strand). Cytogenetic location: 20q11.21.
Variant type: single nucleotide variant.
Coding change: c.286G>A on transcript NM_003098.3 (MANE Select); coding-DNA position 286, G replaced by A.
Protein change: p.Gly96Ser; replaces glycine 96 with serine.
Molecular consequence: missense variant.
Genome position (GRCh38, 1-based): chr20:33,443,335, C>T on the plus strand (G>A on the coding strand, the complement: SNTA1 is on the minus strand). VCF-style: chr20-33443335-C-T. GRCh37 (hg19) VCF-style: chr20-32031141-C-T.
Other names: short protein forms G96S.
Identifiers: ClinVar variation 1797040 (VCV001797040.2), dbSNP rs930505019, ClinGen allele CA313278884.

ClinVar aggregate classification (germline): Uncertain significance (1 of 4 stars; one submission).

Conditions:
Cardiovascular phenotype. Identifiers: MedGen CN230736.

gnomAD v4.1: 4 of 1,497,764 alleles (0.00027%); highest among the groups gnomAD compares: South Asian, 0.0012%; no homozygotes.

Submission:

Ambry Genetics
Classification: Uncertain significance for Cardiovascular phenotype. Last evaluated: 2021-09-16. Review status: criteria provided, single submitter. Criteria: Ambry Variant Classification Scheme 2023. Collection method: clinical testing. Allele origin: germline.
Comment: The p.G96S variant (also known as c.286G>A), located in coding exon 1 of the SNTA1 gene, results from a G to A substitution at nucleotide position 286. The glycine at codon 96 is replaced by serine, an amino acid with similar properties. This amino acid position is conserved. In addition, this alteration is predicted to be tolerated by in silico analysis. Since supporting evidence is limited at this time, the clinical significance of this alteration remains unclear.